The following is an entry in ClinVar:

ClinVar aggregate classification (germline): Uncertain significance (1 of 4 stars; one submission).

Submission:

GeneDx
Classification: Uncertain significance. Last evaluated: 2023-01-31. Review status: criteria provided, single submitter. Criteria: GeneDx Variant Classification Process June 2021. Collection method: clinical testing. Allele origin: germline. Affected: yes.
Comment: Frameshift variant predicted to result in protein truncation as the last 468 amino acids are replaced with 3 different amino acids, although loss-of-function variants have not been reported downstream of this position in the protein; Not observed at significant frequency in large population cohorts (gnomAD); Has not been previously published as pathogenic or benign to our knowledge; Variants in candidate genes are classified as variants of uncertain significance in accordance with ACMG guidelines (Richards et al., 2015)

NM_006885.4(ZFHX3):c.9707_9710del (p.Asp3236fs)

Genes: ZFHX3 (zinc finger homeobox 3; minus strand), ZFHX3-AS1 (ZFHX3 antisense RNA 1; plus strand). Cytogenetic location: 16q22.2.
Variant type: Deletion.
Coding change: c.9707_9710del on transcript NM_006885.4 (MANE Select); coding-DNA positions 9707 to 9710, 4 bases deleted (ACAG; older notation c.9707_9710delACAG).
Protein change: p.Asp3236fs; shifts the reading frame from aspartic acid 3236.
Molecular consequence: frameshift variant.
Genome position (GRCh38, 1-based): chr16:72,788,566-72,788,569, CTGT deleted on the plus strand (ACAG on the coding strand, the reverse complement: ZFHX3 is on the minus strand); deleting any 4 consecutive bases within chr16:72,788,566-72,788,571 gives the same sequence; the c. name uses the placement nearest the transcript's 3' end. VCF-style (leftmost placement, unchanged base first): chr16-72788565-ACTGT-A. GRCh37 (hg19) VCF-style: chr16-72822464-ACTGT-A.
Other names: c.6965_6968del, p.Asp2322fs (NM_001164766.2); c.9707_9710del, p.Asp3236fs (NM_001386735.1); short protein forms D2322fs, D3236fs.
Identifiers: ClinVar variation 3342811 (VCV003342811.1).